The following is an entry in ClinVar:

ClinVar aggregate classification (germline): Conflicting classifications of pathogenicity. Review status: criteria provided, conflicting classifications (1 of 4 stars). 2 submissions from 2 submitters: Likely pathogenic (1); Uncertain significance (1). Last evaluated 2024-12-20.

gnomAD v4.1: 5 of 1,551,626 alleles (0.00032%); highest among the groups gnomAD compares: South Asian, 0.0012%; no homozygotes.

Submissions (2):

Dasa
Classification: Likely pathogenic. Last evaluated: 2024-12-20. Review status: criteria provided, single submitter. Criteria: DASA Assertion Criteria. Collection method: clinical testing. Allele origin: germline.
Comment: NM_012309.5(SHANK2):c.217C>T (p.Arg73*) is a nonsense variant in SHANK2 predicted to introduce a premature termination codon and is predicted to result in an absent or altered protein product. Loss of function is an established disease mechanism for SHANK2 (PMID: 20473310; PMID: 22346768; PMID: 20531469). Also, this variant is absent from population databases. Based on the currently available evidence, this variant is classified as likely pathogenic.

GeneDx
Classification: Uncertain significance. Last evaluated: 2024-12-13. Review status: criteria provided, single submitter. Criteria: GeneDx Variant Classification Process June 2021. Collection method: clinical testing. Allele origin: germline. Affected: yes.
Comment: Loss of function variant in a region of the gene where loss-of-function has not been definitively established as a disease mechanism (PMID: 32599522 ); Has not been previously published as pathogenic or benign to our knowledge

Literature cited by the submitters: PubMed 20473310 (cited by Dasa); PubMed 22346768 (cited by Dasa); PubMed 20531469 (cited by Dasa).

NM_012309.5(SHANK2):c.217C>T (p.Arg73Ter)

Gene: SHANK2 (SH3 and multiple ankyrin repeat domains 2; minus strand). Cytogenetic location: 11q13.4.
Variant type: single nucleotide variant.
Coding change: c.217C>T on transcript NM_012309.5 (MANE Select); coding-DNA position 217, C replaced by T.
Protein change: p.Arg73Ter; replaces arginine 73 with a stop codon.
Molecular consequence: nonsense.
Genome position (GRCh38, 1-based): chr11:71,119,023, G>A on the plus strand (C>T on the coding strand, the complement: SHANK2 is on the minus strand). VCF-style: chr11-71119023-G-A. GRCh37 (hg19) VCF-style: chr11-70830069-G-A.
Other names: short protein forms R73*.
Identifiers: ClinVar variation 3903237 (VCV003903237.3).